The following is an entry in ClinVar:

NM_007294.4(BRCA1):c.353T>G (p.Leu118Arg)

Gene: BRCA1 (BRCA1 DNA repair associated; minus strand). Cytogenetic location: 17q21.31.
Variant type: single nucleotide variant.
Coding change: c.353T>G on transcript NM_007294.4 (MANE Select); coding-DNA position 353, T replaced by G.
Protein change: p.Leu118Arg; replaces leucine 118 with arginine.
Molecular consequence: missense variant. On other transcripts: non-coding transcript variant (1).
Genome position (GRCh38, 1-based): chr17:43,104,210, A>C on the plus strand (T>G on the coding strand, the complement: BRCA1 is on the minus strand). VCF-style: chr17-43104210-A-C. GRCh37 (hg19) VCF-style: chr17-41256227-A-C.
Other names: c.143T>G, p.Leu48Arg (NM_001407571.1, NM_001407853.1, NM_001407879.1 and 58 more transcripts); c.353T>G, p.Leu118Arg (NM_001407581.1, NM_001407582.1, NM_001407583.1 and 165 more transcripts); c.344T>G, p.Leu115Arg (NM_001407646.1, NM_001407647.1, NM_001408408.1); c.275T>G, p.Leu92Arg (NM_001407653.1, NM_001407654.1, NM_001407655.1 and 21 more transcripts); c.212T>G, p.Leu71Arg (NM_001407692.1, NM_001407694.1, NM_001407695.1 and 99 more transcripts); c.-29T>G (NM_001407959.1, NM_001407960.1, NM_001407962.1 and 4 more transcripts); c.221T>G, p.Leu74Arg (NM_001408451.1); short protein forms L118R, L71R, L115R, L92R, L48R, L74R.
Identifiers: ClinVar variation 928779 (VCV000928779.3), dbSNP rs2054632458, ClinGen allele CA10601438.

ClinVar aggregate classification (germline): Uncertain significance. Review status: criteria provided, multiple submitters, no conflicts (2 of 4 stars). 2 submissions from 2 submitters: Uncertain significance (2). Last evaluated 2025-07-10.

Conditions:
Hereditary cancer-predisposing syndrome. Also called: Neoplastic Syndromes, Hereditary; Hereditary Cancer Syndrome; Tumor predisposition; Hereditary neoplastic syndrome. Identifiers: Orphanet 140162, MedGen C0027672, MeSH D009386, MONDO:0015356.

Submissions (2):

Ambry Genetics
Classification: Uncertain significance for Hereditary cancer-predisposing syndrome. Last evaluated: 2025-07-10. Review status: criteria provided, single submitter. Criteria: Ambry Variant Classification Scheme 2023. Collection method: clinical testing. Allele origin: germline.
Comment: The p.L118R variant (also known as c.353T>G), located in coding exon 5 of the BRCA1 gene, results from a T to G substitution at nucleotide position 353. The leucine at codon 118 is replaced by arginine, an amino acid with dissimilar properties. This amino acid position is not well conserved in available vertebrate species. In addition, this alteration is predicted to be deleterious by in silico analysis. Based on the available evidence, the clinical significance of this variant remains unclear.

Women's Health and Genetics/Laboratory Corporation of America, LabCorp
Classification: Uncertain significance. Last evaluated: 2019-11-11. Review status: criteria provided, single submitter. Criteria: LabCorp Variant Classification Summary - May 2015. Collection method: clinical testing. Allele origin: germline.
Comment: Variant summary: BRCA1 c.353T>G (p.Leu118Arg) results in a non-conservative amino acid change in the encoded protein sequence. Three of five in-silico tools predict a benign effect of the variant on protein function. The variant was absent in 251392 control chromosomes (gnomAD). The available data on variant occurrences in the general population are insufficient to allow any conclusion about variant significance. To our knowledge, no occurrence of c.353T>G in individuals affected with Hereditary Breast and Ovarian Cancer and no experimental evidence demonstrating its impact on protein function have been reported. No clinical diagnostic laboratories have submitted clinical-significance assessments for this variant to ClinVar after 2014. Based on the evidence outlined above, the variant was classified as uncertain significance.